The following is an entry in ClinVar:

NM_001844.5(COL2A1):c.631C>T (p.Pro211Ser)

Gene: COL2A1 (collagen type II alpha 1 chain; minus strand). Cytogenetic location: 12q13.11.
Variant type: single nucleotide variant.
Coding change: c.631C>T on transcript NM_001844.5 (MANE Select); coding-DNA position 631, C replaced by T.
Protein change: p.Pro211Ser; replaces proline 211 with serine.
Molecular consequence: missense variant.
Genome position (GRCh38, 1-based): chr12:47,995,898, G>A on the plus strand (C>T on the coding strand, the complement: COL2A1 is on the minus strand). VCF-style: chr12-47995898-G-A. GRCh37 (hg19) VCF-style: chr12-48389681-G-A.
Other names: c.424C>T, p.Pro142Ser (NM_033150.3); short protein forms P211S, P142S.
Identifiers: ClinVar variation 585508 (VCV000585508.6), dbSNP rs1565693325, ClinGen allele CA384523909.

ClinVar aggregate classification (germline): Uncertain significance. Review status: criteria provided, multiple submitters, no conflicts (2 of 4 stars). 3 submissions from 3 submitters: Uncertain significance (3). Last evaluated 2026-01-26.

Conditions:
Inborn genetic diseases. Identifiers: MedGen C0950123, MeSH D030342.

Allele frequency attached by ClinVar (database versions not stated): gnomAD exomes below 0.00001.

Submissions (3):

Ambry Genetics
Classification: Uncertain significance for Inborn genetic diseases. Last evaluated: 2026-01-26. Review status: criteria provided, single submitter. Criteria: Ambry Variant Classification Scheme 2023. Collection method: clinical testing. Allele origin: germline.

Labcorp Genetics (formerly Invitae), Labcorp
Classification: Uncertain significance. Last evaluated: 2025-09-13. Review status: criteria provided, single submitter. Criteria: Invitae Variant Classification Sherloc (09022015). Collection method: clinical testing. Allele origin: germline.
Comment: This sequence change replaces proline, which is neutral and non-polar, with serine, which is neutral and polar, at codon 211 of the COL2A1 protein (p.Pro211Ser). This variant is not present in population databases (gnomAD no frequency). This variant has not been reported in the literature in individuals affected with COL2A1-related conditions. ClinVar contains an entry for this variant (Variation ID: 585508). Invitae Evidence Modeling of protein sequence and biophysical properties (such as structural, functional, and spatial information, amino acid conservation, physicochemical variation, residue mobility, and thermodynamic stability) indicates that this missense variant is not expected to disrupt COL2A1 protein function with a negative predictive value of 95%. In summary, the available evidence is currently insufficient to determine the role of this variant in disease. Therefore, it has been classified as a Variant of Uncertain Significance.

Athena Diagnostics
Classification: Uncertain significance. Last evaluated: 2018-05-23. Review status: criteria provided, single submitter. Criteria: Athena Diagnostics Criteria. Collection method: clinical testing. Allele origin: germline.